The following is an entry in ClinVar:

ClinVar aggregate classification (germline): Uncertain significance (1 of 4 stars; one submission).

Conditions:
Hereditary cancer-predisposing syndrome. Also called: Hereditary Cancer Syndrome; Hereditary neoplastic syndrome; Neoplastic Syndromes, Hereditary; Tumor predisposition. Identifiers: Orphanet 140162, MedGen C0027672, MeSH D009386, MONDO:0015356.

gnomAD v4.1: 1 of 1,614,088 alleles (0.000062%); highest among the groups gnomAD compares: Non-Finnish European, 0.000085%; no homozygotes.

Submission:

Ambry Genetics
Classification: Uncertain significance for Hereditary cancer-predisposing syndrome. Last evaluated: 2025-06-16. Review status: criteria provided, single submitter. Criteria: Ambry Variant Classification Scheme 2023. Collection method: clinical testing. Allele origin: germline.
Comment: The p.R19K variant (also known as c.56G>A), located in coding exon 1 of the CDKN1B gene, results from a G to A substitution at nucleotide position 56. The arginine at codon 19 is replaced by lysine, an amino acid with highly similar properties. This amino acid position is highly conserved in available vertebrate species. In addition, the in silico prediction for this alteration is inconclusive. Based on the available evidence, the clinical significance of this variant remains unclear.

NM_004064.5(CDKN1B):c.56G>A (p.Arg19Lys)

Gene: CDKN1B (cyclin dependent kinase inhibitor 1B; plus strand). Cytogenetic location: 12p13.1.
Variant type: single nucleotide variant.
Coding change: c.56G>A on transcript NM_004064.5 (MANE Select); coding-DNA position 56, G replaced by A.
Protein change: p.Arg19Lys; replaces arginine 19 with lysine.
Molecular consequence: missense variant.
Genome position (GRCh38, 1-based): chr12:12,717,895, G>A. VCF-style: chr12-12717895-G-A. GRCh37 (hg19) VCF-style: chr12-12870829-G-A.
Other names: short protein forms R19K.
Identifiers: ClinVar variation 4224738 (VCV004224738.1).